The following is an entry in ClinVar:

NC_000001.10:g.(?_20960807)_(20964608_?)del

Gene: PINK1 (PTEN induced kinase 1; plus strand). Cytogenetic location: 1p36.12.
Variant type: Deletion.
Identifiers: ClinVar variation 3247755 (VCV003247755.1).

ClinVar aggregate classification (germline): Pathogenic (1 of 4 stars; one submission).

Conditions:
Autosomal recessive early-onset Parkinson disease 6 (PARK6). Also called: PINK1-Related Parkinson Disease; PARKINSON DISEASE 6, MODIFIER OF; PINK1 Type of Young-Onset Parkinson Disease; PARKINSON DISEASE 6, EARLY-ONSET. Identifiers: Orphanet 2828, MedGen C1853833, MONDO:0011613, OMIM 605909.

Submission:

Labcorp Genetics (formerly Invitae), Labcorp
Classification: Pathogenic for Autosomal recessive early-onset Parkinson disease 6. Last evaluated: 2023-08-30. Review status: criteria provided, single submitter. Criteria: Invitae Variant Classification Sherloc (09022015). Collection method: clinical testing. Allele origin: unknown.
Comment: This variant results in the deletion of part of exon 2 (c.387+379_661del) of the PINK1 gene. It is expected to disrupt RNA splicing. Variants that disrupt the donor or acceptor splice site typically lead to a loss of protein function (PMID: 16199547), and loss-of-function variants in PINK1 are known to be pathogenic (PMID: 15087508, 15349870). This variant has not been reported in the literature in individuals affected with PINK1-related conditions. This variant disrupts a region of the PINK1 protein in which other variant(s) (p.Ala168Pro) have been determined to be pathogenic (PMID: 15349860, 16009891, 23063710, 33845304). This suggests that this is a clinically significant region of the protein, and that variants that disrupt it are likely to be disease-causing. For these reasons, this variant has been classified as Pathogenic.

Literature cited by the submitters: PubMed 16199547; PubMed 15087508; PubMed 15349870; PubMed 15349860; PubMed 16009891; PubMed 23063710; PubMed 33845304.